The following is an entry in ClinVar:

NM_001375883.1(GPR161):c.969C>G (p.Ile323Met)

Gene: GPR161 (G protein-coupled receptor 161; minus strand). Cytogenetic location: 1q24.2.
Variant type: single nucleotide variant.
Coding change: c.969C>G on transcript NM_001375883.1 (MANE Select); coding-DNA position 969, C replaced by G.
Protein change: p.Ile323Met; replaces isoleucine 323 with methionine.
Molecular consequence: missense variant.
Genome position (GRCh38, 1-based): chr1:168,096,638, G>C on the plus strand (C>G on the coding strand, the complement: GPR161 is on the minus strand). VCF-style: chr1-168096638-G-C. GRCh37 (hg19) VCF-style: chr1-168065876-G-C.
Other names: c.969C>G, p.Ile323Met (NM_001349632.1, NM_001349633.1, NM_001349634.1 and 5 more transcripts); c.573C>G, p.Ile191Met (NM_001349635.1, NM_001267612.2); c.1029C>G, p.Ile343Met (NM_001267609.1); c.1020C>G, p.Ile340Met (NM_001267611.1); c.735C>G, p.Ile245Met (NM_001267613.1); c.627C>G, p.Ile209Met (NM_001267614.1); short protein forms I340M, I323M, I343M, I209M, I245M, I191M.
Identifiers: ClinVar variation 3631744 (VCV003631744.2).

ClinVar aggregate classification (germline): Uncertain significance (1 of 4 stars; one submission).

gnomAD v4.1: 4 of 1,614,228 alleles (0.00025%); highest among the groups gnomAD compares: Non-Finnish European, 0.00025%; no homozygotes.

Submission:

Labcorp Genetics (formerly Invitae), Labcorp
Classification: Uncertain significance. Last evaluated: 2024-09-25. Review status: criteria provided, single submitter. Criteria: Invitae Variant Classification Sherloc (09022015). Collection method: clinical testing. Allele origin: germline.
Comment: This sequence change replaces isoleucine, which is neutral and non-polar, with methionine, which is neutral and non-polar, at codon 343 of the GPR161 protein (p.Ile343Met). This variant is present in population databases (no rsID available, gnomAD 0.0009%). This variant has not been reported in the literature in individuals affected with GPR161-related conditions. An algorithm developed to predict the effect of missense changes on protein structure and function (PolyPhen-2) suggests that this variant is likely to be disruptive. In summary, the available evidence is currently insufficient to determine the role of this variant in disease. Therefore, it has been classified as a Variant of Uncertain Significance.